The following is an entry in ClinVar:

NC_000004.11:g.(?_9943517)_(9943689_?)del

Gene: SLC2A9 (solute carrier family 2 member 9; minus strand). Cytogenetic location: 4p16.1.
Variant type: Deletion.
Identifiers: ClinVar variation 3246754 (VCV003246754.1).

ClinVar aggregate classification (germline): Pathogenic (1 of 4 stars; one submission).

Submission:

Labcorp Genetics (formerly Invitae), Labcorp
Classification: Pathogenic. Last evaluated: 2023-04-26. Review status: criteria provided, single submitter. Criteria: Invitae Variant Classification Sherloc (09022015). Collection method: clinical testing. Allele origin: unknown.
Comment: For these reasons, this variant has been classified as Pathogenic. This variant has not been reported in the literature in individuals affected with SLC2A9-related conditions. This variant is a gross deletion of the genomic region encompassing exon(s) 6 of the SLC2A9 gene. This deletion is out-of-frame, and is expected to create a premature termination codon and result in an absent or disrupted protein product. Loss-of-function variants in SLC2A9 are known to be pathogenic (PMID: 19926891, 21256783, 21536615, 24628802).

Literature cited by the submitters: PubMed 19926891; PubMed 21256783; PubMed 21536615; PubMed 24628802.